The following is an entry in ClinVar:

NM_198428.3(BBS9):c.1175del (p.Ile392fs)

Gene: BBS9 (Bardet-Biedl syndrome 9; plus strand). Cytogenetic location: 7p14.3.
Variant type: Deletion.
Coding change: c.1175del on transcript NM_198428.3 (MANE Select); coding-DNA position 1175, one base deleted (T; older notation c.1175delT).
Protein change: p.Ile392fs; shifts the reading frame from isoleucine 392.
Molecular consequence: frameshift variant. On other transcripts: non-coding transcript variant (3).
Genome position (GRCh38, 1-based): chr7:33,336,599, T deleted. VCF-style (leftmost placement, unchanged base first): chr7-33336598-AT-A. GRCh37 (hg19) VCF-style: chr7-33376210-AT-A.
Other names: c.1175del, p.Ile392fs (NM_001033604.2, NM_001033605.2, NM_001348036.1 and 5 more transcripts); c.809del, p.Ile270fs (NM_001348037.3, NM_001348044.3, NM_001348045.3 and 1 more transcripts); c.902del, p.Ile301fs (NM_001348038.3, NM_001348039.3); c.1040del, p.Ile347fs (NM_001348042.3); short protein forms I347fs, I301fs, I270fs, I392fs.
Identifiers: ClinVar variation 1375465 (VCV001375465.7), dbSNP rs1815414782, ClinGen allele CA1100031643.

ClinVar aggregate classification (germline): Pathogenic/Likely pathogenic. Review status: criteria provided, multiple submitters, no conflicts (2 of 4 stars). 2 submissions from 2 submitters: Pathogenic (1); Likely pathogenic (1). Last evaluated 2024-03-13.

Conditions:
Bardet-Biedl syndrome (BBS). Identifiers: Orphanet 110, MedGen C0752166, MONDO:0015229.
Bardet-Biedl syndrome 9 (BBS9). Identifiers: Orphanet 110, MedGen C1859567, MONDO:0014437, OMIM 615986.

Allele frequency attached by ClinVar (database versions not stated): gnomAD 0.00001; TOPMed below 0.00001.

Submissions (2):

Baylor Genetics
Classification: Likely pathogenic for Bardet-Biedl syndrome 9. Last evaluated: 2024-03-13. Review status: criteria provided, single submitter. Criteria: ACMG Guidelines, 2015. Collection method: clinical testing. Allele origin: unknown.

Labcorp Genetics (formerly Invitae), Labcorp
Classification: Pathogenic for Bardet-Biedl syndrome. Last evaluated: 2024-01-04. Review status: criteria provided, single submitter. Criteria: Invitae Variant Classification Sherloc (09022015). Collection method: clinical testing. Allele origin: germline.
Comment: This sequence change creates a premature translational stop signal (p.Ile392Thrfs*13) in the BBS9 gene. It is expected to result in an absent or disrupted protein product. Loss-of-function variants in BBS9 are known to be pathogenic (PMID: 16380913, 20177705). This variant is not present in population databases (gnomAD no frequency). This variant has not been reported in the literature in individuals affected with BBS9-related conditions. ClinVar contains an entry for this variant (Variation ID: 1375465). For these reasons, this variant has been classified as Pathogenic.

Literature cited by the submitters: PubMed 16380913 (cited by Labcorp Genetics (formerly Invitae), Labcorp); PubMed 20177705 (cited by Labcorp Genetics (formerly Invitae), Labcorp).